The following is an entry in ClinVar:

ClinVar aggregate classification (germline): Uncertain significance. Review status: criteria provided, multiple submitters, no conflicts (2 of 4 stars). 2 submissions from 2 submitters: Uncertain significance (2). Last evaluated 2025-05-20.

Conditions:
Inborn genetic diseases. Identifiers: MedGen C0950123, MeSH D030342.

Allele frequency attached by ClinVar (database versions not stated): ExAC 0.00002; gnomAD 0.00002; TOPMed 0.00001; gnomAD exomes 0.00001.
gnomAD v4.1: 23 of 1,613,960 alleles (0.0014%); highest among the groups gnomAD compares: Middle Eastern, 0.017%; no homozygotes.

Submissions (2):

Ambry Genetics
Classification: Uncertain significance for Inborn genetic diseases. Last evaluated: 2025-05-20. Review status: criteria provided, single submitter. Criteria: Ambry Variant Classification Scheme 2023. Collection method: clinical testing. Allele origin: germline.

Labcorp Genetics (formerly Invitae), Labcorp
Classification: Uncertain significance. Last evaluated: 2022-05-30. Review status: criteria provided, single submitter. Criteria: Invitae Variant Classification Sherloc (09022015). Collection method: clinical testing. Allele origin: germline.
Comment: This sequence change replaces alanine, which is neutral and non-polar, with valine, which is neutral and non-polar, at codon 392 of the ADAMTSL4 protein (p.Ala392Val). This variant is present in population databases (rs753373488, gnomAD 0.004%). This variant has not been reported in the literature in individuals affected with ADAMTSL4-related conditions. Algorithms developed to predict the effect of missense changes on protein structure and function are either unavailable or do not agree on the potential impact of this missense change (SIFT: "Deleterious"; PolyPhen-2: "Possibly Damaging"; Align-GVGD: "Class C0"). In summary, the available evidence is currently insufficient to determine the role of this variant in disease. Therefore, it has been classified as a Variant of Uncertain Significance.

NM_019032.6(ADAMTSL4):c.1175C>T (p.Ala392Val)

Genes: ADAMTSL4 (ADAMTS like 4; plus strand), ADAMTSL4-AS2 (ADAMTSL4 antisense RNA 2; minus strand). Cytogenetic location: 1q21.2.
Variant type: single nucleotide variant.
Coding change: c.1175C>T on transcript NM_019032.6 (MANE Select); coding-DNA position 1175, C replaced by T.
Protein change: p.Ala392Val; replaces alanine 392 with valine.
Molecular consequence: missense variant.
Genome position (GRCh38, 1-based): chr1:150,554,408, C>T. VCF-style: chr1-150554408-C-T. GRCh37 (hg19) VCF-style: chr1-150526884-C-T.
Other names: c.1175C>T, p.Ala392Val (NM_001288607.2, NM_001288608.2, NM_001378596.1 and 1 more transcripts); c.1175C>T (NM_019032.4); short protein forms A392V.
Identifiers: ClinVar variation 2084782 (VCV002084782.2), dbSNP rs753373488, ClinGen allele CA1078159.